The following is an entry in ClinVar:

ClinVar aggregate classification (germline): Uncertain significance (1 of 4 stars; one submission).

Submission:

Labcorp Genetics (formerly Invitae), Labcorp
Classification: Uncertain significance. Last evaluated: 2022-09-10. Review status: criteria provided, single submitter. Criteria: Invitae Variant Classification Sherloc (09022015). Collection method: clinical testing. Allele origin: germline.
Comment: In summary, the available evidence is currently insufficient to determine the role of this variant in disease. Therefore, it has been classified as a Variant of Uncertain Significance. Variants that disrupt the consensus splice site are a relatively common cause of aberrant splicing (PMID: 17576681, 9536098). Algorithms developed to predict the effect of sequence changes on RNA splicing suggest that this variant is not likely to affect RNA splicing. This variant has not been reported in the literature in individuals affected with CAPN1-related conditions. This variant is not present in population databases (gnomAD no frequency). This sequence change falls in intron 10 of the CAPN1 gene. It does not directly change the encoded amino acid sequence of the CAPN1 protein. It affects a nucleotide within the consensus splice site.

Literature cited by the submitters: PubMed 17576681; PubMed 9536098.

NM_005186.4(CAPN1):c.1165+6C>T

Gene: CAPN1 (calpain 1; plus strand). Cytogenetic location: 11q13.1.
Variant type: single nucleotide variant.
Coding change: c.1165+6C>T on transcript NM_005186.4 (MANE Select); 6 bases into the intron after coding-DNA position 1165, C replaced by T.
Molecular consequence: intron variant.
Genome position (GRCh38, 1-based): chr11:65,188,752, C>T. VCF-style: chr11-65188752-C-T. GRCh37 (hg19) VCF-style: chr11-64956223-C-T.
Other names: c.1165+6C>T (NM_001198868.2, NM_001198869.2).
Identifiers: ClinVar variation 1972689 (VCV001972689.5), dbSNP rs2539270431, ClinGen allele CA2580084441.